The following is an entry in ClinVar:

NM_032043.3(BRIP1):c.1751C>G (p.Thr584Ser)

Gene: BRIP1 (BRCA1 interacting DNA helicase 1; minus strand). Cytogenetic location: 17q23.2.
Variant type: single nucleotide variant.
Coding change: c.1751C>G on transcript NM_032043.3 (MANE Select); coding-DNA position 1751, C replaced by G.
Protein change: p.Thr584Ser; replaces threonine 584 with serine.
Molecular consequence: missense variant.
Genome position (GRCh38, 1-based): chr17:61,780,883, G>C on the plus strand (C>G on the coding strand, the complement: BRIP1 is on the minus strand). VCF-style: chr17-61780883-G-C. GRCh37 (hg19) VCF-style: chr17-59858244-G-C.
Other names: c.1751C>G (NM_032043.2); short protein forms T584S.
Identifiers: ClinVar variation 1394023 (VCV001394023.8), dbSNP rs2145092153, ClinGen allele CA400480329.

ClinVar aggregate classification (germline): Uncertain significance. Review status: criteria provided, multiple submitters, no conflicts (2 of 4 stars). 2 submissions from 2 submitters: Uncertain significance (2). Last evaluated 2025-03-16.

Conditions:
Familial cancer of breast. Also called: BREAST CANCER, FAMILIAL; hereditary breast carcinoma; Hereditary breast cancer. Identifiers: Orphanet 227535, MedGen C0346153, MONDO:0016419, OMIM 114480. Disease mechanism: loss of function.
Fanconi anemia complementation group J. Also called: BRIP1-Related Fanconi Anemia. Identifiers: Orphanet 84, MedGen C1836860, MONDO:0012187, OMIM 609054.
Hereditary cancer-predisposing syndrome. Also called: Hereditary neoplastic syndrome; Neoplastic Syndromes, Hereditary; Hereditary Cancer Syndrome; Tumor predisposition. Identifiers: Orphanet 140162, MedGen C0027672, MeSH D009386, MONDO:0015356.

Submissions (2):

Ambry Genetics
Classification: Uncertain significance for Hereditary cancer-predisposing syndrome. Last evaluated: 2025-03-16. Review status: criteria provided, single submitter. Criteria: Ambry Variant Classification Scheme 2023. Collection method: clinical testing. Allele origin: germline.
Comment: The p.T584S variant (also known as c.1751C>G), located in coding exon 11 of the BRIP1 gene, results from a C to G substitution at nucleotide position 1751. The threonine at codon 584 is replaced by serine, an amino acid with similar properties. This amino acid position is conserved. In addition, this alteration is predicted to be tolerated by in silico analysis. Based on the available evidence, the clinical significance of this variant remains unclear.

Labcorp Genetics (formerly Invitae), Labcorp
Classification: Uncertain significance for Familial cancer of breast; Fanconi anemia complementation group J. Last evaluated: 2021-11-19. Review status: criteria provided, single submitter. Criteria: Invitae Variant Classification Sherloc (09022015). Collection method: clinical testing. Allele origin: germline.
Comment: In summary, the available evidence is currently insufficient to determine the role of this variant in disease. Therefore, it has been classified as a Variant of Uncertain Significance. Algorithms developed to predict the effect of missense changes on protein structure and function (SIFT, PolyPhen-2, Align-GVGD) all suggest that this variant is likely to be tolerated. This variant has not been reported in the literature in individuals affected with BRIP1-related conditions. This variant is not present in population databases (gnomAD no frequency). This sequence change replaces threonine, which is neutral and polar, with serine, which is neutral and polar, at codon 584 of the BRIP1 protein (p.Thr584Ser).